The following is an entry in ClinVar:

ClinVar aggregate classification (germline): Benign. Review status: criteria provided, multiple submitters, no conflicts (2 of 4 stars). 2 submissions from 2 submitters: Benign (2). Last evaluated 2018-01-13.

Conditions:
Gamma-aminobutyric acid transaminase deficiency (GABATD). Also called: GABA aminotransaminase deficiency; GABA transaminase deficiency; Gamma aminobutyrate transaminase deficiency; 4 alpha aminobutyrate transaminase deficiency. Identifiers: Orphanet 2066, MedGen C0342708, MONDO:0013166, OMIM 613163.

Allele frequency attached by ClinVar (database versions not stated): gnomAD 0.31975; TOPMed 0.32271; 1000 Genomes Project 0.32388; 1000 Genomes Project 30x 0.32480.
gnomAD v4.1: 179,336 of 554,844 alleles (32%); highest among the groups gnomAD compares: Admixed American, 38%; 30,308 homozygotes.

Submissions (2):

Illumina Laboratory Services, Illumina
Classification: Benign for Gamma-aminobutyric acid transaminase deficiency. Last evaluated: 2018-01-13. Review status: criteria provided, single submitter. Criteria: ICSL Variant Classification Criteria 13 December 2019. Collection method: clinical testing. Allele origin: germline.
Comment: This variant was observed in the ICSL laboratory as part of a predisposition screen in an ostensibly healthy population. It had not been previously curated by ICSL or reported in the Human Gene Mutation Database (HGMD: prior to June 1st, 2018), and was therefore a candidate for classification through an automated scoring system. Utilizing variant allele frequency, disease prevalence and penetrance estimates, and inheritance mode, an automated score was calculated to assess if this variant is too frequent to cause the disease. Based on the score and internal cut-off values, a variant classified as benign is not then subjected to further curation. The score for this variant resulted in a classification of benign for this disease.

Breakthrough Genomics
Classification: Benign. Review status: criteria provided, single submitter. Criteria: ACMG Guidelines, 2015. Collection method: not provided. Allele origin: germline. Inheritance: Autosomal recessive inheritance. Affected: yes.

NM_020686.6(ABAT):c.*258G>C

Gene: ABAT (4-aminobutyrate aminotransferase; plus strand). Cytogenetic location: 16p13.2.
Variant type: single nucleotide variant.
Coding change: c.*258G>C on transcript NM_020686.6 (MANE Select); 258 bases downstream of the stop codon, G replaced by C.
Molecular consequence: 3 prime UTR variant.
Genome position (GRCh38, 1-based): chr16:8,781,688, G>C. VCF-style: chr16-8781688-G-C. GRCh37 (hg19) VCF-style: chr16-8875545-G-C.
Other names: c.*258G>C (NM_000663.5, NM_001127448.2, NM_001386600.1 and 14 more transcripts); c.*272G>C (NM_001386609.1, NM_001386616.1).
Identifiers: ClinVar variation 321096 (VCV000321096.6), dbSNP rs737695, ClinGen allele CA10648219.